The following is an entry in ClinVar:

NM_015174.2(ZFR2):c.1755G>A (p.Pro585=)

Gene: ZFR2 (zinc finger RNA binding protein 2; minus strand). Cytogenetic location: 19p13.3.
Variant type: single nucleotide variant.
Coding change: c.1755G>A on transcript NM_015174.2 (MANE Select); coding-DNA position 1755, G replaced by A.
Protein change: p.Pro585=; no amino-acid change (proline 585 retained).
Molecular consequence: synonymous variant.
Genome position (GRCh38, 1-based): chr19:3,819,221, C>T on the plus strand (G>A on the coding strand, the complement: ZFR2 is on the minus strand). VCF-style: chr19-3819221-C-T. GRCh37 (hg19) VCF-style: chr19-3819219-C-T.
Identifiers: ClinVar variation 2649013 (VCV002649013.24), dbSNP rs763091131, ClinGen allele CA9086323.

ClinVar aggregate classification (germline): Likely benign (1 of 4 stars; one submission).

Allele frequency attached by ClinVar (database versions not stated): gnomAD 0.00001; TOPMed 0.00001; gnomAD exomes 0.00002; ExAC 0.00003.
gnomAD v4.1: 28 of 1,547,324 alleles (0.0018%); highest among the groups gnomAD compares: Admixed American, 0.0039%; no homozygotes.

Submission:

CeGaT Center for Human Genetics Tuebingen
Classification: Likely benign. Last evaluated: 2022-07-01. Review status: criteria provided, single submitter. Criteria: CeGaT Center For Human Genetics Tuebingen Variant Classification Criteria Version 2. Collection method: clinical testing. Allele origin: germline. Affected: yes. Observed: 1 variant allele.
Comment: ZFR2: BP4, BP7